The following is an entry in ClinVar:

ClinVar aggregate classification (germline): Uncertain significance. Review status: criteria provided, multiple submitters, no conflicts (2 of 4 stars). 2 submissions from 2 submitters: Uncertain significance (2). Last evaluated 2025-01-31.

Allele frequency attached by ClinVar (database versions not stated): gnomAD exomes below 0.00001; gnomAD 0.00005; TOPMed 0.00006.
gnomAD v4.1: 9 of 1,614,002 alleles (0.00056%); highest among the groups gnomAD compares: African/African-American, 0.012%; no homozygotes.

Submissions (2):

Ambry Genetics
Classification: Uncertain significance. Last evaluated: 2025-01-31. Review status: criteria provided, single submitter. Criteria: Ambry Variant Classification Scheme 2023. Collection method: clinical testing. Allele origin: germline.

Labcorp Genetics (formerly Invitae), Labcorp
Classification: Uncertain significance. Last evaluated: 2023-09-11. Review status: criteria provided, single submitter. Criteria: Invitae Variant Classification Sherloc (09022015). Collection method: clinical testing. Allele origin: germline.
Comment: In summary, the available evidence is currently insufficient to determine the role of this variant in disease. Therefore, it has been classified as a Variant of Uncertain Significance. Algorithms developed to predict the effect of sequence changes on RNA splicing suggest that this variant may create or strengthen a splice site. Algorithms developed to predict the effect of missense changes on protein structure and function output the following: SIFT: "Not Available"; PolyPhen-2: "Benign"; Align-GVGD: "Not Available". The serine amino acid residue is found in multiple mammalian species, which suggests that this missense change does not adversely affect protein function. This variant has not been reported in the literature in individuals affected with MICAL1-related conditions. This variant is present in population databases (no rsID available, gnomAD 0.02%). This sequence change replaces proline, which is neutral and non-polar, with serine, which is neutral and polar, at codon 813 of the MICAL1 protein (p.Pro813Ser).

NM_022765.4(MICAL1):c.2380C>T (p.Pro794Ser)

Gene: MICAL1 (microtubule associated monooxygenase, calponin and LIM domain containing 1; minus strand). Cytogenetic location: 6q21.
Variant type: single nucleotide variant.
Coding change: c.2380C>T on transcript NM_022765.4 (MANE Select); coding-DNA position 2380, C replaced by T.
Protein change: p.Pro794Ser; replaces proline 794 with serine.
Molecular consequence: missense variant.
Genome position (GRCh38, 1-based): chr6:109,446,337, G>A on the plus strand (C>T on the coding strand, the complement: MICAL1 is on the minus strand). VCF-style: chr6-109446337-G-A. GRCh37 (hg19) VCF-style: chr6-109767540-G-A.
Other names: c.2122C>T, p.Pro708Ser (NM_001159291.2); c.2437C>T, p.Pro813Ser (NM_001286613.2); c.2380C>T (NM_022765.3); short protein forms P708S, P794S, P813S.
Identifiers: ClinVar variation 3012085 (VCV003012085.4), dbSNP rs1170100582, ClinGen allele CA365223835.